The following is an entry in ClinVar:

ClinVar aggregate classification (germline): Uncertain significance (1 of 4 stars; one submission).

Conditions:
LEPR-related disorder. Also called: LEPR-related condition; LEPR-related disorders.

Submission:

PreventionGenetics, part of Exact Sciences
Classification: Uncertain significance for LEPR-related condition. Last evaluated: 2026-02-04. Review status: criteria provided, single submitter. Criteria: ACMG Guidelines, 2015. Collection method: clinical testing. Allele origin: germline.
Comment: The LEPR c.2799_2800insAA variant is predicted to result in a frameshift and premature protein termination (p.Val934Lysfs*5). To our knowledge, this variant has not been reported in the literature or in a large population database (gnomAD), indicating this variant is rare. Allele frequency estimates may not be reliable since this variant is covered in fewer than 50% of individuals in gnomAD v2.1.1 exomes. Of note, this change is also known as a deep intronic variant c.2674-5864_2674-5863insAA on the MANE transcript NM_002303, which is predicted to have no splice impact based on available splicing prediction programs (Alamut Visual Plus v1.6.1; SpliceAI, Jaganathan et al. 2019. PubMed ID: 30661751). At this time, the clinical significance of this variant is uncertain due to the absence of conclusive functional and genetic evidence.

NM_002303.6(LEPR):c.2674-5864_2674-5863insAA

Gene: LEPR (leptin receptor; plus strand). Cytogenetic location: 1p31.3.
Variant type: Insertion.
Coding change: c.2674-5864_2674-5863insAA on transcript NM_002303.6 (MANE Select); 5864 bases into the intron before coding-DNA position 2674 through 5863 bases into the intron before coding-DNA position 2674, AA inserted.
Molecular consequence: intron variant. On other transcripts: frameshift variant (2).
Genome position: GRCh38 VCF-style: chr1-65630327-T-TAA. GRCh37 (hg19) VCF-style: chr1-66096010-T-TAA.
Other names: c.2799_2800insAA, p.Val934fs (NM_001003680.3, NM_001198687.2); c.2674-2825_2674-2824insAA (NM_001003679.3, NM_001198689.2); short protein forms V934fs.
Identifiers: ClinVar variation 4983867 (VCV004983867.1).